The following is an entry in ClinVar:

NM_022356.4(P3H1):c.1722G>C (p.Glu574Asp)

Gene: P3H1 (prolyl 3-hydroxylase 1; minus strand). Cytogenetic location: 1p34.2.
Variant type: single nucleotide variant.
Coding change: c.1722G>C on transcript NM_022356.4 (MANE Select); coding-DNA position 1722, G replaced by C.
Protein change: p.Glu574Asp; replaces glutamic acid 574 with aspartic acid.
Molecular consequence: missense variant.
Genome position (GRCh38, 1-based): chr1:42,748,316, C>G on the plus strand (G>C on the coding strand, the complement: P3H1 is on the minus strand). VCF-style: chr1-42748316-C-G. GRCh37 (hg19) VCF-style: chr1-43213987-C-G.
Other names: c.1722G>C, p.Glu574Asp (NM_001146289.2, NM_001243246.2); short protein forms E574D.
Identifiers: ClinVar variation 953285 (VCV000953285.8), dbSNP rs1651848301, ClinGen allele CA339954520.

ClinVar aggregate classification (germline): Uncertain significance (1 of 4 stars; one submission).

Conditions:
Osteogenesis imperfecta type 8 (OI8). Identifiers: MedGen C1970458, MONDO:0012581, OMIM 610915.

Submission:

Labcorp Genetics (formerly Invitae), Labcorp
Classification: Uncertain significance for Osteogenesis imperfecta type 8. Last evaluated: 2025-05-08. Review status: criteria provided, single submitter. Criteria: Invitae Variant Classification Sherloc (09022015). Collection method: clinical testing. Allele origin: germline.
Comment: This sequence change replaces glutamic acid, which is acidic and polar, with aspartic acid, which is acidic and polar, at codon 574 of the P3H1 protein (p.Glu574Asp). This variant is not present in population databases (gnomAD no frequency). This variant has not been reported in the literature in individuals affected with P3H1-related conditions. ClinVar contains an entry for this variant (Variation ID: 953285). An algorithm developed to predict the effect of missense changes on protein structure and function (PolyPhen-2) suggests that this variant is likely to be tolerated. In summary, the available evidence is currently insufficient to determine the role of this variant in disease. Therefore, it has been classified as a Variant of Uncertain Significance.